The following is an entry in ClinVar:

NM_001162501.2(TNRC6B):c.4318A>G (p.Ile1440Val)

Gene: TNRC6B (trinucleotide repeat containing adaptor 6B; plus strand). Cytogenetic location: 22q13.1.
Variant type: single nucleotide variant.
Coding change: c.4318A>G on transcript NM_001162501.2 (MANE Select); coding-DNA position 4318, A replaced by G.
Protein change: p.Ile1440Val; replaces isoleucine 1440 with valine.
Molecular consequence: missense variant.
Genome position (GRCh38, 1-based): chr22:40,310,876, A>G. VCF-style: chr22-40310876-A-G. GRCh37 (hg19) VCF-style: chr22-40706880-A-G.
Other names: c.4318A>G (NM_001162501.1); c.1906A>G, p.Ile636Val (NM_001024843.2); c.3988A>G, p.Ile1330Val (NM_015088.3); short protein forms I1330V, I1440V, I636V.
Identifiers: ClinVar variation 3250932 (VCV003250932.19), dbSNP rs755500875.

ClinVar aggregate classification (germline): Uncertain significance. Review status: criteria provided, multiple submitters, no conflicts (2 of 4 stars). 2 submissions from 2 submitters: Uncertain significance (2). Last evaluated 2024-06-02.

Conditions:
Inborn genetic diseases. Identifiers: MedGen C0950123, MeSH D030342.

Allele frequency attached by ClinVar (database versions not stated): ExAC 0.00001; gnomAD 0.00001; gnomAD exomes 0.00001; TOPMed 0.00002.
gnomAD v4.1: 8 of 1,612,570 alleles (0.0005%); highest among the groups gnomAD compares: Middle Eastern, 0.017%; no homozygotes.

Submissions (2):

Ambry Genetics
Classification: Uncertain significance for Inborn genetic diseases. Last evaluated: 2024-06-02. Review status: criteria provided, single submitter. Criteria: Ambry Variant Classification Scheme 2023. Collection method: clinical testing. Allele origin: germline.

CeGaT Center for Human Genetics Tuebingen
Classification: Uncertain significance. Last evaluated: 2024-06-01. Review status: criteria provided, single submitter. Criteria: CeGaT Center For Human Genetics Tuebingen Variant Classification Criteria Version 2. Collection method: clinical testing. Allele origin: germline. Affected: yes. Observed: 1 variant allele.
Comment: TNRC6B: PM2:Supporting